The following is an entry in ClinVar:

ClinVar aggregate classification (germline): Uncertain significance (1 of 4 stars; one submission).

Conditions:
Combined oxidative phosphorylation deficiency 39. Identifiers: Orphanet 565624, MedGen C5193075, MONDO:0032726, OMIM 618397.

Submission:

Juno Genomics, Hangzhou Juno Genomics, Inc
Classification: Uncertain significance for Combined oxidative phosphorylation deficiency 39. Review status: criteria provided, single submitter. Criteria: ACMG Guidelines, 2015. Collection method: clinical testing. Allele origin: germline.
Comment: Absent from controls (or at extremely low frequency if recessive) in Genome Aggregation Database.;Multiple lines of computational evidence support a deleterious effect on the gene or gene product.

NM_032380.5(GFM2):c.1994T>C (p.Met665Thr)

Gene: GFM2 (GTP dependent ribosome recycling factor mitochondrial GFM2; minus strand). Cytogenetic location: 5q13.3.
Variant type: single nucleotide variant.
Coding change: c.1994T>C on transcript NM_032380.5 (MANE Select); coding-DNA position 1994, T replaced by C.
Protein change: p.Met665Thr; replaces methionine 665 with threonine.
Molecular consequence: missense variant. On other transcripts: non-coding transcript variant (1).
Genome position (GRCh38, 1-based): chr5:74,725,674, A>G on the plus strand (T>C on the coding strand, the complement: GFM2 is on the minus strand). VCF-style: chr5-74725674-A-G. GRCh37 (hg19) VCF-style: chr5-74021499-A-G.
Other names: c.2090T>C, p.Met697Thr (NM_001281302.2); c.1853T>C, p.Met618Thr (NM_170691.3); short protein forms M618T, M665T, M697T.
Identifiers: ClinVar variation 5019610 (VCV005019610.2).